The following is an entry in ClinVar:

ClinVar aggregate classification (germline): Uncertain significance. Review status: criteria provided, multiple submitters, no conflicts (2 of 4 stars). 2 submissions from 2 submitters: Uncertain significance (2). Last evaluated 2024-06-10.

Conditions:
Hereditary cancer-predisposing syndrome. Also called: Hereditary neoplastic syndrome; Neoplastic Syndromes, Hereditary; Hereditary Cancer Syndrome; Tumor predisposition. Identifiers: Orphanet 140162, MedGen C0027672, MeSH D009386, MONDO:0015356.
Hereditary breast ovarian cancer syndrome. Also called: Hereditary breast and/or ovarian cancer syndrome; Hereditary breast and ovarian cancer syndrome (HBOC); Breast and ovarian cancer; Hereditary breast and ovarian cancer; Hereditary breast and ovarian cancer syndrome; BRCA1- and BRCA2-Associated Hereditary Breast and Ovarian Cancer. Identifiers: Orphanet 145, MedGen C0677776, MeSH D061325, MONDO:0003582. Disease mechanism: loss of function.

Submissions (2):

Ambry Genetics
Classification: Uncertain significance for Hereditary cancer-predisposing syndrome. Last evaluated: 2024-06-10. Review status: criteria provided, single submitter. Criteria: Ambry Variant Classification Scheme 2023. Collection method: clinical testing. Allele origin: germline.
Comment: The p.S146C variant (also known as c.437C>G), located in coding exon 5 of the BRCA1 gene, results from a C to G substitution at nucleotide position 437. The serine at codon 146 is replaced by cysteine, an amino acid with dissimilar properties. This amino acid position is poorly conserved in available vertebrate species. In addition, the in silico prediction for this alteration is inconclusive. Based on the available evidence, the clinical significance of this variant remains unclear.

Labcorp Genetics (formerly Invitae), Labcorp
Classification: Uncertain significance for Hereditary breast ovarian cancer syndrome. Last evaluated: 2021-02-08. Review status: criteria provided, single submitter. Criteria: Invitae Variant Classification Sherloc (09022015). Collection method: clinical testing. Allele origin: germline.
Comment: This variant has not been reported in the literature in individuals with BRCA1-related conditions. In summary, the available evidence is currently insufficient to determine the role of this variant in disease. Therefore, it has been classified as a Variant of Uncertain Significance. Advanced modeling of protein sequence and biophysical properties (such as structural, functional, and spatial information, amino acid conservation, physicochemical variation, residue mobility, and thermodynamic stability) performed at Invitae indicates that this missense variant is not expected to disrupt BRCA1 protein function. This variant is not present in population databases (ExAC no frequency). This sequence change replaces serine with cysteine at codon 146 of the BRCA1 protein (p.Ser146Cys). The serine residue is weakly conserved and there is a moderate physicochemical difference between serine and cysteine.

NM_007294.4(BRCA1):c.437C>G (p.Ser146Cys)

Gene: BRCA1 (BRCA1 DNA repair associated; minus strand). Cytogenetic location: 17q21.31.
Variant type: single nucleotide variant.
Coding change: c.437C>G on transcript NM_007294.4 (MANE Select); coding-DNA position 437, C replaced by G.
Protein change: p.Ser146Cys; replaces serine 146 with cysteine.
Molecular consequence: missense variant. On other transcripts: non-coding transcript variant (1).
Genome position (GRCh38, 1-based): chr17:43,104,126, G>C on the plus strand (C>G on the coding strand, the complement: BRCA1 is on the minus strand). VCF-style: chr17-43104126-G-C. GRCh37 (hg19) VCF-style: chr17-41256143-G-C.
Other names: c.56C>G, p.Ser19Cys (NM_001407962.1, NM_001407963.1, NM_001407965.1 and 4 more transcripts); c.296C>G, p.Ser99Cys (NM_001407964.1, NM_001407692.1, NM_001407694.1 and 99 more transcripts); c.437C>G, p.Ser146Cys (NM_001407968.1, NM_001407969.1, NM_001407970.1 and 165 more transcripts); c.428C>G, p.Ser143Cys (NM_001408408.1, NM_001407646.1, NM_001407647.1); c.359C>G, p.Ser120Cys (NM_001408409.1, NM_001407653.1, NM_001407654.1 and 21 more transcripts); c.227C>G, p.Ser76Cys (NM_001407571.1, NM_001407853.1, NM_001407879.1 and 58 more transcripts); c.305C>G, p.Ser102Cys (NM_001408451.1); short protein forms S146C, S99C, S120C, S102C, S143C, S19C, S76C.
Identifiers: ClinVar variation 1483910 (VCV001483910.10), dbSNP rs1060502358, ClinGen allele CA10601272.
Genomic context (GRCh38, chr17:43,104,126, plus strand): 5'-AAAAGAAAAAAAAAAGAAAAGAAGAAGAAGAAGAAGAAGAAAACAAATGGTTTTACCAAG[G>C]AAGGATTTTCGGGTTCACTCTGTAGAAGTCTTTTGGCACGGTTTCTGTAGCCCATACTTT-3'
Protein context (NP_009225.1, residues 136-156): RLLQSEPENP[Ser146Cys]LQETSLSVQL